The following is an entry in ClinVar:

ClinVar aggregate classification (germline): Uncertain significance (1 of 4 stars; one submission).

Conditions:
Early-infantile DEE. Also called: Ohtahara syndrome; Early infantile epileptic encephalopathy with suppression bursts; Early infantile epileptic encephalopathy. Identifiers: Orphanet 1934, MedGen C0393706, MONDO:0800491.

Allele frequency attached by ClinVar (database versions not stated): ExAC 0.00002; gnomAD exomes below 0.00001.
gnomAD v4.1: 4 of 1,613,944 alleles (0.00025%); highest among the groups gnomAD compares: South Asian, 0.0022%; no homozygotes.

Submission:

Labcorp Genetics (formerly Invitae), Labcorp
Classification: Uncertain significance for Early-infantile DEE. Last evaluated: 2024-05-15. Review status: criteria provided, single submitter. Criteria: Invitae Variant Classification Sherloc (09022015). Collection method: clinical testing. Allele origin: germline.
Comment: This sequence change replaces arginine, which is basic and polar, with cysteine, which is neutral and slightly polar, at codon 1891 of the SCN8A protein (p.Arg1891Cys). This variant is present in population databases (rs774029281, gnomAD 0.003%). This variant has not been reported in the literature in individuals affected with SCN8A-related conditions. Advanced modeling of protein sequence and biophysical properties (such as structural, functional, and spatial information, amino acid conservation, physicochemical variation, residue mobility, and thermodynamic stability) has been performed at Invitae for this missense variant, however the output from this modeling did not meet the statistical confidence thresholds required to predict the impact of this variant on SCN8A protein function. In summary, the available evidence is currently insufficient to determine the role of this variant in disease. Therefore, it has been classified as a Variant of Uncertain Significance.

NM_001330260.2(SCN8A):c.5671C>T (p.Arg1891Cys)

Gene: SCN8A (sodium voltage-gated channel alpha subunit 8; plus strand). Cytogenetic location: 12q13.13.
Variant type: single nucleotide variant.
Coding change: c.5671C>T on transcript NM_001330260.2 (MANE Select); coding-DNA position 5671, C replaced by T.
Protein change: p.Arg1891Cys; replaces arginine 1891 with cysteine.
Molecular consequence: missense variant.
Genome position (GRCh38, 1-based): chr12:51,807,157, C>T. VCF-style: chr12-51807157-C-T. GRCh37 (hg19) VCF-style: chr12-52200941-C-T.
Other names: c.5548C>T, p.Arg1850Cys (NM_001177984.3, NM_001369788.1); c.5671C>T, p.Arg1891Cys (NM_014191.4); short protein forms R1891C, R1850C.
Identifiers: ClinVar variation 2975016 (VCV002975016.3), dbSNP rs774029281, ClinGen allele CA6571939.
Genomic context (GRCh38, chr12:51,807,157, plus strand): 5'-GAGCGGTTCGTGGCATCCAATCCTTCCAAAGTGTCTTACGAGCCAATCACAACCACACTG[C>T]GTCGCAAGCAGGAGGAGGTATCTGCAGTGGTCCTGCAGCGTGCCTACCGGGGACATTTGG-3'
Protein context (NP_001317189.1, residues 1881-1901): VSYEPITTTL[Arg1891Cys]RKQEEVSAVV